The following is an entry in ClinVar:

ClinVar aggregate classification (germline): Uncertain significance (1 of 4 stars; one submission).

Conditions:
Hereditary cancer-predisposing syndrome. Also called: Hereditary Cancer Syndrome; Hereditary neoplastic syndrome; Neoplastic Syndromes, Hereditary; Tumor predisposition. Identifiers: Orphanet 140162, MedGen C0027672, MeSH D009386, MONDO:0015356.

Submission:

Ambry Genetics
Classification: Uncertain significance for Hereditary cancer-predisposing syndrome. Last evaluated: 2022-04-28. Review status: criteria provided, single submitter. Criteria: Ambry Variant Classification Scheme 2023. Collection method: clinical testing. Allele origin: germline.
Comment: The p.V478G variant (also known as c.1433T>G) is located in coding exon 10 of the FLCN gene. The valine at codon 478 is replaced by glycine, an amino acid with dissimilar properties. This change occurs in the first base pair of coding exon 10. This amino acid position is conserved. In addition, the in silico prediction for this alteration is inconclusive. Since supporting evidence is limited at this time, the clinical significance of this alteration remains unclear.

NM_144997.7(FLCN):c.1433T>G (p.Val478Gly)

Gene: FLCN (folliculin; minus strand). Cytogenetic location: 17p11.2.
Variant type: single nucleotide variant.
Coding change: c.1433T>G on transcript NM_144997.7 (MANE Select); coding-DNA position 1433, T replaced by G.
Protein change: p.Val478Gly; replaces valine 478 with glycine.
Molecular consequence: missense variant.
Genome position (GRCh38, 1-based): chr17:17,215,090, A>C on the plus strand (T>G on the coding strand, the complement: FLCN is on the minus strand). VCF-style: chr17-17215090-A-C. GRCh37 (hg19) VCF-style: chr17-17118404-A-C.
Other names: c.1487T>G, p.Val496Gly (NM_001353229.2); c.1433T>G, p.Val478Gly (NM_001353230.2, NM_001353231.2); short protein forms V496G, V478G.
Identifiers: ClinVar variation 1772563 (VCV001772563.2), dbSNP rs2544142993, ClinGen allele CA398531033.